The following is an entry in ClinVar:

ClinVar aggregate classification (germline): Uncertain significance (1 of 4 stars; one submission).

Conditions:
Early-infantile DEE. Also called: Ohtahara syndrome; Early infantile epileptic encephalopathy with suppression bursts; Early infantile epileptic encephalopathy. Identifiers: Orphanet 1934, MedGen C0393706, MONDO:0800491.

gnomAD v4.1: 2 of 1,613,964 alleles (0.00012%); highest among the groups gnomAD compares: South Asian, 0.0011%; no homozygotes.

Submission:

Labcorp Genetics (formerly Invitae), Labcorp
Classification: Uncertain significance for Early-infantile DEE. Last evaluated: 2022-04-28. Review status: criteria provided, single submitter. Criteria: Invitae Variant Classification Sherloc (09022015). Collection method: clinical testing. Allele origin: germline.
Comment: In summary, the available evidence is currently insufficient to determine the role of this variant in disease. Therefore, it has been classified as a Variant of Uncertain Significance. Algorithms developed to predict the effect of missense changes on protein structure and function are either unavailable or do not agree on the potential impact of this missense change (SIFT: "Tolerated"; PolyPhen-2: "Probably Damaging"; Align-GVGD: "Class C0"). ClinVar contains an entry for this variant (Variation ID: 410376). This missense change has been observed in individual(s) with clinical features of KCNH5-related conditions (Invitae). This variant is not present in population databases (gnomAD no frequency). This sequence change replaces proline, which is neutral and non-polar, with arginine, which is basic and polar, at codon 705 of the KCNH5 protein (p.Pro705Arg).

NM_139318.5(KCNH5):c.2114C>G (p.Pro705Arg)

Gene: KCNH5 (potassium voltage-gated channel subfamily H member 5; minus strand). Cytogenetic location: 14q23.2.
Variant type: single nucleotide variant.
Coding change: c.2114C>G on transcript NM_139318.5 (MANE Select); coding-DNA position 2114, C replaced by G.
Protein change: p.Pro705Arg; replaces proline 705 with arginine.
Molecular consequence: missense variant. On other transcripts: 3 prime UTR variant (1).
Genome position (GRCh38, 1-based): chr14:62,708,361, G>C on the plus strand (C>G on the coding strand, the complement: KCNH5 is on the minus strand). VCF-style: chr14-62708361-G-C. GRCh37 (hg19) VCF-style: chr14-63175079-G-C.
Other names: c.*81C>G (NM_172375.3); short protein forms P705R.
Identifiers: ClinVar variation 410376 (VCV000410376.11), dbSNP rs1060502866, ClinGen allele CA16614122.
Genomic context (GRCh38, chr14:62,708,361, plus strand): 5'-GTTGAGCCCTGATTCCGCAGCTCCTTCTGCTGCTTGAACTTCTGGAAGAGCTTTCTGACT[G>C]GGTGGTCCACGGGAATGCTGAGGGTCACCTCATTCTTCTGCCGGAGGCGCTCCTCCTCCT-3'
Protein context (NP_647479.2, residues 695-715): EVTLSIPVDH[Pro705Arg]VRKLFQKFKQ